The following is an entry in ClinVar:

NM_000104.4(CYP1B1):c.1421A>C (p.Glu474Ala)

Genes: CYP1B1 (cytochrome P450 family 1 subfamily B member 1; minus strand), LOC128772254 (melanoma risk locus-associated MPRA allelic enhancer 2:38298139; plus strand). Cytogenetic location: 2p22.2.
Variant type: single nucleotide variant.
Coding change: c.1421A>C on transcript NM_000104.4 (MANE Select); coding-DNA position 1421, A replaced by C.
Protein change: p.Glu474Ala; replaces glutamic acid 474 with alanine.
Molecular consequence: missense variant.
Genome position (GRCh38, 1-based): chr2:38,070,933, T>G on the plus strand (A>C on the coding strand, the complement: CYP1B1 is on the minus strand). VCF-style: chr2-38070933-T-G. GRCh37 (hg19) VCF-style: chr2-38298076-T-G.
Other names: short protein forms E474A.
Identifiers: ClinVar variation 1396219 (VCV001396219.6), dbSNP rs1272381382, ClinGen allele CA346327199.

ClinVar aggregate classification (germline): Uncertain significance (1 of 4 stars; one submission).

Conditions:
Congenital glaucoma. Identifiers: MedGen C0020302, MONDO:0020366.

Submission:

Labcorp Genetics (formerly Invitae), Labcorp
Classification: Uncertain significance for Congenital glaucoma. Last evaluated: 2021-12-03. Review status: criteria provided, single submitter. Criteria: Invitae Variant Classification Sherloc (09022015). Collection method: clinical testing. Allele origin: germline.
Comment: In summary, the available evidence is currently insufficient to determine the role of this variant in disease. Therefore, it has been classified as a Variant of Uncertain Significance. Advanced modeling of protein sequence and biophysical properties (such as structural, functional, and spatial information, amino acid conservation, physicochemical variation, residue mobility, and thermodynamic stability) performed at Invitae indicates that this missense variant is not expected to disrupt CYP1B1 protein function. This variant has not been reported in the literature in individuals affected with CYP1B1-related conditions. This variant is not present in population databases (gnomAD no frequency). This sequence change replaces glutamic acid, which is acidic and polar, with alanine, which is neutral and non-polar, at codon 474 of the CYP1B1 protein (p.Glu474Ala).